The following is an entry in ClinVar:

ClinVar aggregate classification (germline): Uncertain significance (1 of 4 stars; one submission).

Allele frequency attached by ClinVar (database versions not stated): gnomAD exomes below 0.00001.
gnomAD v4.1: 2 of 1,614,184 alleles (0.00012%); highest among the groups gnomAD compares: Non-Finnish European, 0.00017%; no homozygotes.

Submission:

Labcorp Genetics (formerly Invitae), Labcorp
Classification: Uncertain significance. Last evaluated: 2023-01-20. Review status: criteria provided, single submitter. Criteria: Invitae Variant Classification Sherloc (09022015). Collection method: clinical testing. Allele origin: germline.
Comment: This variant has not been reported in the literature in individuals affected with TECTA-related conditions. This variant is not present in population databases (gnomAD no frequency). This sequence change replaces cysteine, which is neutral and slightly polar, with arginine, which is basic and polar, at codon 614 of the TECTA protein (p.Cys614Arg). Advanced modeling of protein sequence and biophysical properties (such as structural, functional, and spatial information, amino acid conservation, physicochemical variation, residue mobility, and thermodynamic stability) performed at Invitae indicates that this missense variant is expected to disrupt TECTA protein function. In summary, the available evidence is currently insufficient to determine the role of this variant in disease. Therefore, it has been classified as a Variant of Uncertain Significance.

NM_005422.4(TECTA):c.1840T>C (p.Cys614Arg)

Genes: TBCEL-TECTA (TBCEL-TECTA readthrough; plus strand), TECTA (tectorin alpha; plus strand). Cytogenetic location: 11q23.3.
Variant type: single nucleotide variant.
Coding change: c.1840T>C on transcript NM_005422.4 (MANE Select); coding-DNA position 1840, T replaced by C.
Protein change: p.Cys614Arg; replaces cysteine 614 with arginine.
Molecular consequence: missense variant.
Genome position (GRCh38, 1-based): chr11:121,127,817, T>C. VCF-style: chr11-121127817-T-C. GRCh37 (hg19) VCF-style: chr11-120998526-T-C.
Other names: c.2797T>C, p.Cys933Arg (NM_001378761.1); short protein forms C933R, C614R.
Identifiers: ClinVar variation 2830565 (VCV002830565.3), dbSNP rs2496921094, ClinGen allele CA383013302.